The following is an entry in ClinVar:

ClinVar aggregate classification (germline): Uncertain significance. Review status: criteria provided, multiple submitters, no conflicts (2 of 4 stars). 3 submissions from 3 submitters: Uncertain significance (2). 1 of the submissions does not count toward it. Last evaluated 2024-09-04.

Conditions:
Hereditary cancer-predisposing syndrome. Also called: Neoplastic Syndromes, Hereditary; Hereditary neoplastic syndrome; Tumor predisposition; Hereditary Cancer Syndrome. Identifiers: Orphanet 140162, MedGen C0027672, MeSH D009386, MONDO:0015356.
Fumarase deficiency (FMRD). Also called: Fumaric aciduria; Fumarate Hydratase Deficiency. Identifiers: Orphanet 24, MedGen C0342770, MONDO:0011730, OMIM 606812.

Allele frequency attached by ClinVar (database versions not stated): gnomAD exomes below 0.00001 and 0.00001; ExAC 0.00001; gnomAD 0.00001; TOPMed 0.00002.
gnomAD v4.1: 3 of 1,613,882 alleles (0.00019%); highest among the groups gnomAD compares: South Asian, 0.0022%; no homozygotes.

Submissions (3):

Labcorp Genetics (formerly Invitae), Labcorp
Classification: Uncertain significance. Last evaluated: 2024-09-04. Review status: criteria provided, single submitter. Criteria: Invitae Variant Classification Sherloc (09022015). Collection method: clinical testing. Allele origin: germline.
Comment: This sequence change replaces isoleucine, which is neutral and non-polar, with valine, which is neutral and non-polar, at codon 229 of the FH protein (p.Ile229Val). This variant is present in population databases (rs764065194, gnomAD 0.006%). This variant has not been reported in the literature in individuals affected with FH-related conditions. ClinVar contains an entry for this variant (Variation ID: 662608). Invitae Evidence Modeling of protein sequence and biophysical properties (such as structural, functional, and spatial information, amino acid conservation, physicochemical variation, residue mobility, and thermodynamic stability) indicates that this missense variant is not expected to disrupt FH protein function with a negative predictive value of 95%. In summary, the available evidence is currently insufficient to determine the role of this variant in disease. Therefore, it has been classified as a Variant of Uncertain Significance.

Ambry Genetics
Classification: Uncertain significance for Hereditary cancer-predisposing syndrome. Last evaluated: 2023-12-19. Review status: criteria provided, single submitter. Criteria: Ambry Variant Classification Scheme 2023. Collection method: clinical testing. Allele origin: germline.
Comment: The p.I229V variant (also known as c.685A>G), located in coding exon 5 of the FH gene, results from an A to G substitution at nucleotide position 685. The isoleucine at codon 229 is replaced by valine, an amino acid with highly similar properties. This amino acid position is highly conserved in available vertebrate species. In addition, the in silico prediction for this alteration is inconclusive. Since supporting evidence is limited at this time, the clinical significance of this alteration remains unclear.

Natera, Inc.
Classification: Uncertain significance for Fumarase deficiency. Last evaluated: 2020-09-16. Review status: no assertion criteria provided. Collection method: clinical testing. Allele origin: germline. Not counted in ClinVar's aggregate classification.

NM_000143.4(FH):c.685A>G (p.Ile229Val)

Gene: FH (fumarate hydratase; minus strand). Cytogenetic location: 1q43.
Variant type: single nucleotide variant.
Coding change: c.685A>G on transcript NM_000143.4 (MANE Select); coding-DNA position 685, A replaced by G.
Protein change: p.Ile229Val; replaces isoleucine 229 with valine.
Molecular consequence: missense variant.
Genome position (GRCh38, 1-based): chr1:241,508,656, T>C on the plus strand (A>G on the coding strand, the complement: FH is on the minus strand). VCF-style: chr1-241508656-T-C. GRCh37 (hg19) VCF-style: chr1-241671956-T-C.
Other names: short protein forms I229V.
Identifiers: ClinVar variation 662608 (VCV000662608.10), dbSNP rs764065194, ClinGen allele CA1478632.
Genomic context (GRCh38, chr1:241,508,656, plus strand): 5'-CCTATACCTGCCCAAGAGTAAGTGGAACAGCATCCTGAGTATGAGTACGTCCAATCTTGA[T>C]GATCTGTGCAAACTCTTTGGATTTTGCATCAAGAGCATCATGTAACTTCTGTAGTCCTGG-3'
Protein context (NP_000134.2, residues 219-239): DAKSKEFAQI[Ile229Val]KIGRTHTQDA